The following is an entry in ClinVar:

ClinVar aggregate classification (germline): Uncertain significance (1 of 4 stars; one submission).

Submission:

Labcorp Genetics (formerly Invitae), Labcorp
Classification: Uncertain significance. Last evaluated: 2025-04-10. Review status: criteria provided, single submitter. Criteria: Invitae Variant Classification Sherloc (09022015). Collection method: clinical testing. Allele origin: germline.
Comment: This sequence change falls in intron 14 of the SLC18A2 gene. It does not directly change the encoded amino acid sequence of the SLC18A2 protein. This variant is present in population databases (rs757767217, gnomAD 0.01%). This variant has not been reported in the literature in individuals affected with SLC18A2-related conditions. Algorithms developed to predict the effect of sequence changes on RNA splicing suggest that this variant may disrupt the consensus splice site. In summary, the available evidence is currently insufficient to determine the role of this variant in disease. Therefore, it has been classified as a Variant of Uncertain Significance.

NM_003054.6(SLC18A2):c.1307-22_1307-18del

Gene: SLC18A2 (solute carrier family 18 member A2; plus strand). Cytogenetic location: 10q25.3.
Variant type: Deletion.
Coding change: c.1307-22_1307-18del on transcript NM_003054.6 (MANE Select); 22 bases into the intron before coding-DNA position 1307 through 18 bases into the intron before coding-DNA position 1307, 5 bases deleted (CTAAT; older notation c.1307-22_1307-18delCTAAT).
Molecular consequence: intron variant.
Genome position (GRCh38, 1-based): chr10:117,270,308-117,270,312, CTAAT deleted; deleting any 5 consecutive bases within chr10:117,270,306-117,270,312 gives the same sequence; the c. name uses the placement nearest the transcript's 3' end. VCF-style (leftmost placement, unchanged base first): chr10-117270305-TATCTA-T. GRCh37 (hg19) VCF-style: chr10-119029816-TATCTA-T.
Identifiers: ClinVar variation 4708210 (VCV004708210.1).